The following is an entry in ClinVar:

ClinVar aggregate classification (germline): Conflicting classifications of pathogenicity. Review status: criteria provided, conflicting classifications (1 of 4 stars). 2 submissions from 2 submitters: Uncertain significance (1); Likely benign (1). Last evaluated 2025-09-08.

Conditions:
Alstrom syndrome (ALMS). Identifiers: Orphanet 64, MedGen C0268425, MONDO:0008763, OMIM 203800.
Cardiovascular phenotype. Identifiers: MedGen CN230736.

Submissions (2):

Ambry Genetics
Classification: Likely benign for Cardiovascular phenotype. Last evaluated: 2025-09-08. Review status: criteria provided, single submitter. Criteria: Ambry Variant Classification Scheme 2023. Collection method: clinical testing. Allele origin: germline.

Labcorp Genetics (formerly Invitae), Labcorp
Classification: Uncertain significance for Alstrom syndrome. Last evaluated: 2023-12-06. Review status: criteria provided, single submitter. Criteria: Invitae Variant Classification Sherloc (09022015). Collection method: clinical testing. Allele origin: germline.
Comment: This sequence change replaces threonine, which is neutral and polar, with serine, which is neutral and polar, at codon 3563 of the ALMS1 protein (p.Thr3563Ser). This variant is not present in population databases (gnomAD no frequency). This variant has not been reported in the literature in individuals affected with ALMS1-related conditions. ClinVar contains an entry for this variant (Variation ID: 1024716). Experimental studies and prediction algorithms are not available or were not evaluated, and the functional significance of this variant is currently unknown. In summary, the available evidence is currently insufficient to determine the role of this variant in disease. Therefore, it has been classified as a Variant of Uncertain Significance.

NM_001378454.1(ALMS1):c.10685C>G (p.Thr3562Ser)

Gene: ALMS1 (ALMS1 centrosome and basal body associated protein; plus strand). Cytogenetic location: 2p13.1.
Variant type: single nucleotide variant.
Coding change: c.10685C>G on transcript NM_001378454.1 (MANE Select); coding-DNA position 10685, C replaced by G.
Protein change: p.Thr3562Ser; replaces threonine 3562 with serine.
Molecular consequence: missense variant.
Genome position (GRCh38, 1-based): chr2:73,572,562, C>G. VCF-style: chr2-73572562-C-G. GRCh37 (hg19) VCF-style: chr2-73799689-C-G.
Other names: c.10688C>G, p.Thr3563Ser (NM_015120.4); short protein forms T3562S, T3563S.
Identifiers: ClinVar variation 1024716 (VCV001024716.5), dbSNP rs1674959661, ClinGen allele CA347284804.